The following is an entry in ClinVar:

NC_000023.11:g.(?_32287519)_(32310286_?)del

Gene: DMD (dystrophin; minus strand). Cytogenetic location: Xp21.1.
Variant type: Deletion.
Identifiers: ClinVar variation 661740 (VCV000661740.2).

ClinVar aggregate classification (germline): Pathogenic (1 of 4 stars; one submission).

Conditions:
Duchenne muscular dystrophy (DMD). Also called: MUSCULAR DYSTROPHY, PSEUDOHYPERTROPHIC PROGRESSIVE, DUCHENNE TYPE; Duchenne Muscular Dystrophy (DMD). Identifiers: Orphanet 98896, MedGen C0013264, MONDO:0010679, OMIM 310200.

Submission:

Labcorp Genetics (formerly Invitae), Labcorp
Classification: Pathogenic for Duchenne muscular dystrophy. Last evaluated: 2019-06-10. Review status: criteria provided, single submitter. Criteria: Invitae Variant Classification Sherloc (09022015). Collection method: clinical testing. Allele origin: germline.
Comment: This variant is an out-of-frame deletion of the genomic region encompassing exons 42-43 of the DMD gene. This is expected to create a premature translational stop signal and result in an absent or disrupted protein product. Gross deletions encompassing the same exons as this copy number variant have been reported in individuals affected with Duchenne Muscular Dystrophy (PMID: 15655674, 18752307, 21896784, 24099565). This variant has been reported in individuals in the Leiden Open-source Variation Database (PMID: 21520333). Loss-of-function variants in DMD are known to be pathogenic (PMID: 16770791, 25007885). For these reasons, this variant has been classified as Pathogenic.

Literature cited by the submitters: PubMed 18752307; PubMed 21520333; PubMed 21896784; PubMed 24099565; PubMed 15655674.